The following is an entry in ClinVar:

NM_006231.4(POLE):c.4901G>A (p.Arg1634His)

Gene: POLE (DNA polymerase epsilon, catalytic subunit; minus strand). Cytogenetic location: 12q24.33.
Variant type: single nucleotide variant.
Coding change: c.4901G>A on transcript NM_006231.4 (MANE Select); coding-DNA position 4901, G replaced by A.
Protein change: p.Arg1634His; replaces arginine 1634 with histidine.
Molecular consequence: missense variant.
Genome position (GRCh38, 1-based): chr12:132,642,557, C>T on the plus strand (G>A on the coding strand, the complement: POLE is on the minus strand). VCF-style: chr12-132642557-C-T. GRCh37 (hg19) VCF-style: chr12-133219143-C-T.
Other names: short protein forms R1634H.
Identifiers: ClinVar variation 240545 (VCV000240545.25), dbSNP rs760149463, ClinGen allele CA6892684.
Genomic context (GRCh38, chr12:132,642,557, plus strand): 5'-TGTGCTCACCTGCTCATCTCGAAGGCCTGCGACAGGCAGGTGTCCAGGTTGAGGTAGTGA[C>T]GGATCATGCGCCGGGCTCCATGGCGCTGCCAGTCCAGGACCCCATAGTTGATCTTGTCAG-3'
Protein context (NP_006222.2, residues 1624-1644): WQRHGARRMI[Arg1634His]HYLNLDTCLS

ClinVar aggregate classification (germline): Conflicting classifications of pathogenicity. Review status: criteria provided, conflicting classifications (1 of 4 stars). 8 submissions from 8 submitters: Uncertain significance (7); Likely benign (1). Last evaluated 2026-01-16.

Conditions:
Colorectal cancer, susceptibility to, 12 (CRCS12). Also called: COLORECTAL CANCER, SUSCEPTIBILITY TO, ON CHROMOSOME 12q24. Identifiers: Orphanet 220460, MedGen C3554460, MONDO:0014038, OMIM 615083.
Facial dysmorphism-immunodeficiency-livedo-short stature syndrome. Also called: Facial dysmorphism, immunodeficiency, livedo, and short stature; FILS syndrome. Identifiers: Orphanet 352712, MedGen C3554576, MONDO:0014058, OMIM 615139.
Familial colorectal cancer. Identifiers: MedGen CN280943, MONDO:0023113. Disease mechanism: loss of function.
Hereditary cancer-predisposing syndrome. Also called: Tumor predisposition; Neoplastic Syndromes, Hereditary; Hereditary Cancer Syndrome; Hereditary neoplastic syndrome. Identifiers: Orphanet 140162, MedGen C0027672, MeSH D009386, MONDO:0015356.

Allele frequency attached by ClinVar (database versions not stated): ExAC 0.00002; gnomAD exomes 0.00004 and 0.00005; gnomAD 0.00006; TOPMed 0.00009.
gnomAD v4.1: 87 of 1,613,476 alleles (0.0054%); highest among the groups gnomAD compares: African/African-American, 0.02%; no homozygotes.

Submissions (8):

Labcorp Genetics (formerly Invitae), Labcorp
Classification: Uncertain significance. Last evaluated: 2026-01-16. Review status: criteria provided, single submitter. Criteria: Invitae Variant Classification Sherloc (09022015). Collection method: clinical testing. Allele origin: germline.
Comment: This sequence change replaces arginine, which is basic and polar, with histidine, which is basic and polar, at codon 1634 of the POLE protein (p.Arg1634His). This variant is present in population databases (rs760149463, gnomAD 0.03%). This missense change has been observed in individual(s) with colorectal cancer (PMID: 35534704). ClinVar contains an entry for this variant (Variation ID: 240545). Invitae Evidence Modeling of protein sequence and biophysical properties (such as structural, functional, and spatial information, amino acid conservation, physicochemical variation, residue mobility, and thermodynamic stability) indicates that this missense variant is not expected to disrupt POLE protein function with a negative predictive value of 80%. In summary, the available evidence is currently insufficient to determine the role of this variant in disease. Therefore, it has been classified as a Variant of Uncertain Significance.

Center for Genomic Medicine, Rigshospitalet, Copenhagen University Hospital
Classification: Uncertain significance. Last evaluated: 2025-12-29. Review status: criteria provided, single submitter. Criteria: ACMG Guidelines, 2015. Collection method: clinical testing. Allele origin: germline.

Ambry Genetics
Classification: Uncertain significance for Hereditary cancer-predisposing syndrome. Last evaluated: 2024-12-18. Review status: criteria provided, single submitter. Criteria: Ambry Variant Classification Scheme 2023. Collection method: clinical testing. Allele origin: germline.
Comment: The p.R1634H variant (also known as c.4901G>A), located in coding exon 37 of the POLE gene, results from a G to A substitution at nucleotide position 4901. The arginine at codon 1634 is replaced by histidine, an amino acid with highly similar properties. This amino acid position is well conserved in available vertebrate species. In addition, this alteration is predicted to be tolerated by in silico analysis. Based on the available evidence, the clinical significance of this variant remains unclear.

GeneDx
Classification: Uncertain significance. Last evaluated: 2024-05-28. Review status: criteria provided, single submitter. Criteria: GeneDx Variant Classification Process June 2021. Collection method: clinical testing. Allele origin: germline. Affected: yes.
Comment: In silico analysis supports that this missense variant has a deleterious effect on protein structure/function; Observed in an individual with colorectal cancer (PMID: 35534704); This variant is associated with the following publications: (PMID: 31034466, 18772396, 35534704)

Sema4
Classification: Likely benign for Hereditary cancer-predisposing syndrome. Last evaluated: 2020-10-23. Review status: criteria provided, single submitter. Criteria: Sema4 Curation Guidelines. Collection method: curation. Allele origin: germline.

Mendelics
Classification: Uncertain significance for Colorectal cancer, susceptibility to, 12. Last evaluated: 2019-05-28. Review status: criteria provided, single submitter. Criteria: Mendelics Assertion Criteria 2017. Collection method: clinical testing. Allele origin: unknown.

Fulgent Genetics
Classification: Uncertain significance for Colorectal cancer, susceptibility to, 12; Facial dysmorphism-immunodeficiency-livedo-short stature syndrome. Last evaluated: 2018-10-31. Review status: criteria provided, single submitter. Criteria: ACMG Guidelines, 2015. Collection method: clinical testing. Allele origin: unknown.

Quest Diagnostics Nichols Institute San Juan Capistrano
Classification: Uncertain significance. Last evaluated: 2017-05-31. Review status: criteria provided, single submitter. Criteria: Quest Diagnostics criteria. Collection method: clinical testing. Allele origin: germline.

Literature cited by the submitters: PubMed 35534704 (cited by Labcorp Genetics (formerly Invitae), Labcorp).